The following is an entry in ClinVar:

ClinVar aggregate classification (germline): Likely benign (0 of 4 stars; one submission).

Conditions:
ANKLE2-related disorder. Also called: ANKLE2-related condition.

Submission:

PreventionGenetics, part of Exact Sciences
Classification: Likely benign for ANKLE2-related condition. Last evaluated: 2021-02-22. Review status: no assertion criteria provided. Collection method: clinical testing. Allele origin: germline.
Comment: This variant is classified as likely benign based on ACMG/AMP sequence variant interpretation guidelines (Richards et al. 2015 PMID: 25741868, with internal and published modifications).

NM_015114.3(ANKLE2):c.1892-11_1892-9del

Gene: ANKLE2 (ankyrin repeat and LEM domain containing 2; minus strand). Cytogenetic location: 12q24.33.
Variant type: Microsatellite.
Coding change: c.1892-11_1892-9del on transcript NM_015114.3 (MANE Select); 11 bases into the intron before coding-DNA position 1892 through 9 bases into the intron before coding-DNA position 1892, 3 bases deleted (TGT; older notation c.1892-11_1892-9delTGT).
Molecular consequence: intron variant.
Genome position (GRCh38, 1-based): chr12:132,730,279-132,730,281, ACA deleted on the plus strand (TGT on the coding strand, the reverse complement: ANKLE2 is on the minus strand); deleting any 3 consecutive bases within chr12:132,730,279-132,730,285 gives the same sequence; the c. name uses the placement nearest the transcript's 3' end. VCF-style (leftmost placement, unchanged base first): chr12-132730278-GACA-G. GRCh37 (hg19) VCF-style: chr12-133306864-GACA-G.
Identifiers: ClinVar variation 3051107 (VCV003051107.2), dbSNP rs552419420, ClinGen allele CA6895400.